The following is an entry in ClinVar:

NM_033310.3(KCNK4):c.239C>T (p.Thr80Ile)

Genes: KCNK4 (potassium two pore domain channel subfamily K member 4; plus strand), KCNK4-CATSPERZ (KCNK4-CATSPERZ readthrough (NMD candidate); plus strand). Cytogenetic location: 11q13.1.
Variant type: single nucleotide variant.
Coding change: c.239C>T on transcript NM_033310.3 (MANE Select); coding-DNA position 239, C replaced by T.
Protein change: p.Thr80Ile; replaces threonine 80 with isoleucine.
Molecular consequence: missense variant. On other transcripts: non-coding transcript variant (3).
Genome position (GRCh38, 1-based): chr11:64,296,927, C>T. VCF-style: chr11-64296927-C-T. GRCh37 (hg19) VCF-style: chr11-64064399-C-T.
Other names: c.239C>T, p.Thr80Ile (NM_001317090.2, NM_033311.1); short protein forms T80I.
Identifiers: ClinVar variation 2504959 (VCV002504959.1), dbSNP rs2034780020, ClinGen allele CA381162166.

ClinVar aggregate classification (germline): Uncertain significance (1 of 4 stars; one submission).

Allele frequency attached by ClinVar (database versions not stated): gnomAD exomes 0.00001.
gnomAD v4.1: 7 of 1,511,380 alleles (0.00046%); highest among the groups gnomAD compares: Non-Finnish European, 0.00062%; no homozygotes.

Submission:

GeneDx
Classification: Uncertain significance. Last evaluated: 2022-12-06. Review status: criteria provided, single submitter. Criteria: GeneDx Variant Classification Process June 2021. Collection method: clinical testing. Allele origin: germline. Affected: yes.
Comment: Not observed at significant frequency in large population cohorts (gnomAD); In silico analysis supports that this missense variant has a deleterious effect on protein structure/function; Has not been previously published as pathogenic or benign to our knowledge